The following is an entry in ClinVar:

NM_001243133.2(NLRP3):c.973C>T (p.Arg325Trp)

Gene: NLRP3 (NLR family pyrin domain containing 3; plus strand). Cytogenetic location: 1q44.
Variant type: single nucleotide variant.
Coding change: c.973C>T on transcript NM_001243133.2 (MANE Select); coding-DNA position 973, C replaced by T.
Protein change: p.Arg325Trp; replaces arginine 325 with tryptophan.
Molecular consequence: missense variant.
Genome position (GRCh38, 1-based): chr1:247,424,422, C>T. VCF-style: chr1-247424422-C-T. GRCh37 (hg19) VCF-style: chr1-247587724-C-T.
Other names: c.973C>T, p.Arg325Trp (NM_001079821.3, NM_001127461.3, NM_001127462.3 and 1 more transcripts); c.979C>T, p.Arg327Trp (NM_004895.5); short protein forms R327W, R325W.
Identifiers: ClinVar variation 97991 (VCV000097991.1), dbSNP rs180177500, ClinGen allele CA281439.

ClinVar aggregate classification (germline): not provided (0 of 4 stars; one submission).

Conditions:
Familial cold autoinflammatory syndrome 1 (FCAS1). Also called: CRYOPYRIN-ASSOCIATED PERIODIC SYNDROME 1; Familial cold inflammatory syndrome 1. Identifiers: Orphanet 47045, MedGen C4551895, MONDO:0007349, OMIM 120100.

gnomAD v4.1: 8 of 1,614,138 alleles (0.0005%); highest among the groups gnomAD compares: Non-Finnish European, 0.00068%; no homozygotes.

Submission:

Unité médicale des maladies autoinflammatoires, CHRU Montpellier
No classification provided. Condition: Familial cold urticaria. Review status: no classification provided. Collection method: not provided. Allele origin: unknown.
Comment: also involved in OMIM 191900 and 607115